The following is an entry in ClinVar:

NM_003482.4(KMT2D):c.11770C>G (p.Gln3924Glu)

Gene: KMT2D (lysine methyltransferase 2D; minus strand). Cytogenetic location: 12q13.12.
Variant type: single nucleotide variant.
Coding change: c.11770C>G on transcript NM_003482.4 (MANE Select); coding-DNA position 11770, C replaced by G.
Protein change: p.Gln3924Glu; replaces glutamine 3924 with glutamic acid.
Molecular consequence: missense variant.
Genome position (GRCh38, 1-based): chr12:49,032,935, G>C on the plus strand (C>G on the coding strand, the complement: KMT2D is on the minus strand). VCF-style: chr12-49032935-G-C. GRCh37 (hg19) VCF-style: chr12-49426718-G-C.
Other names: short protein forms Q3924E.
Identifiers: ClinVar variation 1015388 (VCV001015388.8), dbSNP rs886041106, ClinGen allele CA384715569.
Genomic context (GRCh38, chr12:49,032,935, plus strand): 5'-GCTGTTGTTGAAGCTGCTGCTGCTGTTGCTGCTGTTGAAGCTGTTGCTGCTGAAGTTGCT[G>C]TTGCTGTTGTAGCTGCTGCTGCTGCTGCTGCTGAAGTTGCTGTTGCTGTTGCAGCTGCTG-3'
Protein context (NP_003473.3, residues 3914-3934): QQQQQQLQQQ[Gln3924Glu]QLQQQQLQQQ

ClinVar aggregate classification (germline): Uncertain significance (1 of 4 stars; one submission).

Conditions:
Kabuki syndrome. Also called: NIIKAWA-KUROKI SYNDROME; Kabuki make-up syndrome. Identifiers: Orphanet 2322, MedGen C0796004, MONDO:0016512.

Submission:

Labcorp Genetics (formerly Invitae), Labcorp
Classification: Uncertain significance for Kabuki syndrome. Last evaluated: 2022-08-09. Review status: criteria provided, single submitter. Criteria: Invitae Variant Classification Sherloc (09022015). Collection method: clinical testing. Allele origin: germline.
Comment: This sequence change replaces glutamine, which is neutral and polar, with glutamic acid, which is acidic and polar, at codon 3924 of the KMT2D protein (p.Gln3924Glu). In summary, the available evidence is currently insufficient to determine the role of this variant in disease. Therefore, it has been classified as a Variant of Uncertain Significance. Advanced modeling of protein sequence and biophysical properties (such as structural, functional, and spatial information, amino acid conservation, physicochemical variation, residue mobility, and thermodynamic stability) performed at Invitae indicates that this missense variant is not expected to disrupt KMT2D protein function. ClinVar contains an entry for this variant (Variation ID: 1015388). This variant has not been reported in the literature in individuals affected with KMT2D-related conditions. This variant is not present in population databases (gnomAD no frequency).